The following is an entry in ClinVar:

NM_000191.3(HMGCL):c.866del (p.Gly289fs)

Gene: HMGCL (3-hydroxy-3-methylglutaryl-CoA lyase; minus strand). Cytogenetic location: 1p36.11.
Variant type: Deletion.
Coding change: c.866del on transcript NM_000191.3 (MANE Select); coding-DNA position 866, one base deleted (G; older notation c.866delG).
Protein change: p.Gly289fs; shifts the reading frame from glycine 289.
Molecular consequence: frameshift variant.
Genome position (GRCh38, 1-based): chr1:23,804,410, C deleted on the plus strand (G on the coding strand, the reverse complement: HMGCL is on the minus strand); the first of 3 consecutive C bases (chr1:23,804,410-23,804,412); deleting any one gives the same sequence. VCF-style (leftmost placement, unchanged base first): chr1-23804409-GC-G. GRCh37 (hg19) VCF-style: chr1-24130899-GC-G.
Other names: c.653del, p.Gly218fs (NM_001166059.2); short protein forms G218fs, G289fs.
Identifiers: ClinVar variation 2676034 (VCV002676034.5), dbSNP rs1638362423, ClinGen allele CA2695197987.

ClinVar aggregate classification (germline): Pathogenic/Likely pathogenic. Review status: criteria provided, multiple submitters, no conflicts (2 of 4 stars). 3 submissions from 3 submitters: Pathogenic (2); Likely pathogenic (1). Last evaluated 2025-04-01.

Conditions:
Deficiency of hydroxymethylglutaryl-CoA lyase (HMGCLD). Also called: HMGCL DEFICIENCY; HYDROXYMETHYLGLUTARIC ACIDURIA; Defect in leucine metabolism; 3-hydroxy-3-methylglutaric aciduria; HMG-CoA LYASE DEFICIENCY. Identifiers: Orphanet 20, MedGen C1533587, MONDO:0009520, OMIM 246450.

Submissions (3):

Myriad Genetics, Inc.
Classification: Pathogenic for Deficiency of hydroxymethylglutaryl-CoA lyase. Last evaluated: 2025-04-01. Review status: criteria provided, single submitter. Criteria: Myriad Autosomal Dominant, Autosomal Recessive and X-Linked Classification Criteria (2023). Collection method: clinical testing. Allele origin: unknown.
Comment: NM_000191.2(HMGCL):c.866delG(G289Afs*6) is a frameshift variant classified as pathogenic in the context of HMG-CoA lyase deficiency. G289Afs*6 has not been observed in cases with relevant disease. Relevant functional assessments of this variant are not available in the literature. G289Afs*6 has not been observed in referenced population frequency databases. In summary, NM_000191.2(HMGCL):c.866delG(G289Afs*6) is a frameshift variant in a gene where loss of function is a known mechanism of disease and is predicted to disrupt protein function. Please note: this variant was assessed in the context of healthy population screening.

Labcorp Genetics (formerly Invitae), Labcorp
Classification: Pathogenic for Deficiency of hydroxymethylglutaryl-CoA lyase. Last evaluated: 2023-06-27. Review status: criteria provided, single submitter. Criteria: Invitae Variant Classification Sherloc (09022015). Collection method: clinical testing. Allele origin: germline.
Comment: For these reasons, this variant has been classified as Pathogenic. This variant disrupts a region of the HMGCL protein in which other variant(s) (p.Phe305Tyrfs*10) have been determined to be pathogenic (PMID: 2443756, 6085636, 9463337). This suggests that this is a clinically significant region of the protein, and that variants that disrupt it are likely to be disease-causing. This variant has not been reported in the literature in individuals affected with HMGCL-related conditions. This variant is not present in population databases (gnomAD no frequency). This sequence change creates a premature translational stop signal (p.Gly289Alafs*6) in the HMGCL gene. While this is not anticipated to result in nonsense mediated decay, it is expected to disrupt the last 37 amino acid(s) of the HMGCL protein.

Baylor Genetics
Classification: Likely pathogenic for Deficiency of hydroxymethylglutaryl-CoA lyase. Last evaluated: 2022-06-17. Review status: criteria provided, single submitter. Criteria: ACMG Guidelines, 2015. Collection method: clinical testing. Allele origin: unknown.

Literature cited by the submitters: PubMed 2443756 (cited by Labcorp Genetics (formerly Invitae), Labcorp); PubMed 6085636 (cited by Labcorp Genetics (formerly Invitae), Labcorp); PubMed 9463337 (cited by Labcorp Genetics (formerly Invitae), Labcorp).